The following is an entry in ClinVar:

ClinVar aggregate classification (germline): Pathogenic (1 of 4 stars; one submission).

Conditions:
Oculofaciocardiodental syndrome (MCOPS2). Identifiers: Orphanet 2712, MedGen C1846265, MONDO:0010261, OMIM 300166.

Submission:

Institute of Human Genetics, University of Leipzig Medical Center
Classification: Pathogenic for Oculofaciocardiodental syndrome. Last evaluated: 2024-12-17. Review status: criteria provided, single submitter. Criteria: ACMG Guidelines, 2015. Collection method: clinical testing. Allele origin: unknown. Inheritance: X-linked dominant inheritance. Affected: yes.
Comment: Criteria applied: PVS1,PM2

NM_001123385.2(BCOR):c.274del (p.Ser92fs)

Gene: BCOR (BCL6 corepressor; minus strand). Cytogenetic location: Xp11.4.
Variant type: Deletion.
Coding change: c.274del on transcript NM_001123385.2 (MANE Select); coding-DNA position 274, one base deleted (A; older notation c.274delA).
Protein change: p.Ser92fs; shifts the reading frame from serine 92.
Molecular consequence: frameshift variant.
Genome position (GRCh38, 1-based): chrX:40,075,072, T deleted on the plus strand (A on the coding strand, the reverse complement: BCOR is on the minus strand). VCF-style (leftmost placement, unchanged base first): chrX-40075071-CT-C. GRCh37 (hg19) VCF-style: chrX-39934324-CT-C.
Other names: c.274delA, p.Ser92Alafs (NM_001123383.2); c.274del, p.Ser92fs (NM_001123384.2, NM_017745.6); short protein forms S92fs.
Identifiers: ClinVar variation 3572892 (VCV003572892.2).